The following is an entry in ClinVar:

NM_000465.4(BARD1):c.34C>T (p.Pro12Ser)

Gene: BARD1 (BRCA1 associated RING domain 1; minus strand). Cytogenetic location: 2q35.
Variant type: single nucleotide variant.
Coding change: c.34C>T on transcript NM_000465.4 (MANE Select); coding-DNA position 34, C replaced by T.
Protein change: p.Pro12Ser; replaces proline 12 with serine.
Molecular consequence: missense variant. On other transcripts: non-coding transcript variant (3).
Genome position (GRCh38, 1-based): chr2:214,809,536, G>A on the plus strand (C>T on the coding strand, the complement: BARD1 is on the minus strand). VCF-style: chr2-214809536-G-A. GRCh37 (hg19) VCF-style: chr2-215674260-G-A.
Other names: c.34C>T, p.Pro12Ser (NM_001282543.2, NM_001282545.2, NM_001282548.2 and 1 more transcripts); short protein forms P12S.
Identifiers: ClinVar variation 1940474 (VCV001940474.5), dbSNP rs1182316664, ClinGen allele CA350465361.

ClinVar aggregate classification (germline): Uncertain significance (1 of 4 stars; one submission).

Conditions:
Familial cancer of breast. Also called: Hereditary breast cancer; BREAST CANCER, FAMILIAL; hereditary breast carcinoma. Identifiers: Orphanet 227535, MedGen C0346153, MONDO:0016419, OMIM 114480. Disease mechanism: loss of function.

Allele frequency attached by ClinVar (database versions not stated): gnomAD exomes below 0.00001.
gnomAD v4.1: 1 of 1,579,970 alleles (0.000063%); highest among the groups gnomAD compares: Non-Finnish European, 0.000086%; no homozygotes.

Submission:

Labcorp Genetics (formerly Invitae), Labcorp
Classification: Uncertain significance for Familial cancer of breast. Last evaluated: 2024-12-02. Review status: criteria provided, single submitter. Criteria: Invitae Variant Classification Sherloc (09022015). Collection method: clinical testing. Allele origin: germline.
Comment: This sequence change replaces proline, which is neutral and non-polar, with serine, which is neutral and polar, at codon 12 of the BARD1 protein (p.Pro12Ser). This variant is not present in population databases (gnomAD no frequency). This variant has not been reported in the literature in individuals affected with BARD1-related conditions. ClinVar contains an entry for this variant (Variation ID: 1940474). An algorithm developed to predict the effect of missense changes on protein structure and function (PolyPhen-2) suggests that this variant is likely to be disruptive. In summary, the available evidence is currently insufficient to determine the role of this variant in disease. Therefore, it has been classified as a Variant of Uncertain Significance.